The following is an entry in ClinVar:

NM_032638.5(GATA2):c.369G>A (p.Lys123=)

Gene: GATA2 (GATA binding protein 2; minus strand). Cytogenetic location: 3q21.3.
Variant type: single nucleotide variant.
Coding change: c.369G>A on transcript NM_032638.5 (MANE Select); coding-DNA position 369, G replaced by A.
Protein change: p.Lys123=; no amino-acid change (lysine 123 retained).
Molecular consequence: synonymous variant.
Genome position (GRCh38, 1-based): chr3:128,486,229, C>T on the plus strand (G>A on the coding strand, the complement: GATA2 is on the minus strand). VCF-style: chr3-128486229-C-T. GRCh37 (hg19) VCF-style: chr3-128205072-C-T.
Other names: c.369G>A, p.Lys123= (NM_001145661.2, NM_001145662.1).
Identifiers: ClinVar variation 2924194 (VCV002924194.3), dbSNP rs2107672763, ClinGen allele CA435764025.

ClinVar aggregate classification (germline): Uncertain significance (1 of 4 stars; one submission).

Conditions:
Deafness-lymphedema-leukemia syndrome. Also called: Lymphedema, primary, with myelodysplasia; Emberger syndrome. Identifiers: Orphanet 3226, MedGen C3279664, MONDO:0013540, OMIM 614038.
Monocytopenia with susceptibility to infections. Also called: MONOCYTOPENIA AND MYCOBACTERIAL INFECTION SYNDROME; MONOCYTOPENIA WITH SUSCEPTIBILITY TO MYCOBACTERIAL, FUNGAL, AND PAPILLOMAVIRUS INFECTIONS AND MYELODYSPLASIA; COMBINED IMMUNODEFICIENCY WITH SUSCEPTIBILITY TO MYCOBACTERIAL, VIRAL, AND FUNGAL INFECTIONS; Dendritic cell, monocyte, B lymphocyte, and natural killer lymphocyte deficiency; IMMUNODEFICIENCY 21; GATA2 DEFICIENCY. Identifiers: Orphanet 228423, MedGen C3280030, MONDO:0013607, OMIM 614172.

Submission:

Labcorp Genetics (formerly Invitae), Labcorp
Classification: Uncertain significance for Monocytopenia with susceptibility to infections; Deafness-lymphedema-leukemia syndrome. Last evaluated: 2023-02-19. Review status: criteria provided, single submitter. Criteria: Invitae Variant Classification Sherloc (09022015). Collection method: clinical testing. Allele origin: germline.
Comment: This sequence change affects codon 123 of the GATA2 mRNA. It is a 'silent' change, meaning that it does not change the encoded amino acid sequence of the GATA2 protein. In summary, the available evidence is currently insufficient to determine the role of this variant in disease. Therefore, it has been classified as a Variant of Uncertain Significance. Algorithms developed to predict the effect of sequence changes on RNA splicing suggest that this variant may create or strengthen a splice site. This variant has not been reported in the literature in individuals affected with GATA2-related conditions. This variant is not present in population databases (gnomAD no frequency).